The following is an entry in ClinVar:

NM_000632.4(ITGAM):c.2792+4C>T

Gene: ITGAM (integrin subunit alpha M; plus strand). Cytogenetic location: 16p11.2.
Variant type: single nucleotide variant.
Coding change: c.2792+4C>T on transcript NM_000632.4 (MANE Select); 4 bases into the intron after coding-DNA position 2792, C replaced by T.
Molecular consequence: intron variant.
Genome position (GRCh38, 1-based): chr16:31,328,234, C>T. VCF-style: chr16-31328234-C-T. GRCh37 (hg19) VCF-style: chr16-31339555-C-T.
Other names: c.2795+4C>T (NM_001145808.2).
Identifiers: ClinVar variation 1438503 (VCV001438503.7), dbSNP rs761146279, ClinGen allele CA8025968.

ClinVar aggregate classification (germline): Uncertain significance (1 of 4 stars; one submission).

Allele frequency attached by ClinVar (database versions not stated): TOPMed below 0.00001; gnomAD 0.00001; gnomAD exomes 0.00001; ExAC 0.00002.
gnomAD v4.1: 11 of 1,612,102 alleles (0.00068%); highest among the groups gnomAD compares: Non-Finnish European, 0.00093%; no homozygotes.

Submission:

Labcorp Genetics (formerly Invitae), Labcorp
Classification: Uncertain significance. Last evaluated: 2023-03-03. Review status: criteria provided, single submitter. Criteria: Invitae Variant Classification Sherloc (09022015). Collection method: clinical testing. Allele origin: germline.
Comment: ClinVar contains an entry for this variant (Variation ID: 1438503). This variant has not been reported in the literature in individuals affected with ITGAM-related conditions. This variant is present in population databases (rs761146279, gnomAD 0.003%). This sequence change falls in intron 23 of the ITGAM gene. It does not directly change the encoded amino acid sequence of the ITGAM protein. It affects a nucleotide within the consensus splice site. Variants that disrupt the consensus splice site are a relatively common cause of aberrant splicing (PMID: 17576681, 9536098). Algorithms developed to predict the effect of sequence changes on RNA splicing suggest that this variant may disrupt the consensus splice site. In summary, the available evidence is currently insufficient to determine the role of this variant in disease. Therefore, it has been classified as a Variant of Uncertain Significance.

Literature cited by the submitters: PubMed 17576681; PubMed 9536098.